The following is an entry in ClinVar:

ClinVar aggregate classification (germline): Uncertain significance (1 of 4 stars; one submission).

Submission:

Labcorp Genetics (formerly Invitae), Labcorp
Classification: Uncertain significance. Last evaluated: 2024-06-10. Review status: criteria provided, single submitter. Criteria: Invitae Variant Classification Sherloc (09022015). Collection method: clinical testing. Allele origin: germline.
Comment: This sequence change replaces alanine, which is neutral and non-polar, with serine, which is neutral and polar, at codon 67 of the MESP2 protein (p.Ala67Ser). This variant is not present in population databases (gnomAD no frequency). This variant has not been reported in the literature in individuals affected with MESP2-related conditions. ClinVar contains an entry for this variant (Variation ID: 1413192). Advanced modeling of protein sequence and biophysical properties (such as structural, functional, and spatial information, amino acid conservation, physicochemical variation, residue mobility, and thermodynamic stability) performed at Invitae indicates that this missense variant is not expected to disrupt MESP2 protein function with a negative predictive value of 80%. In summary, the available evidence is currently insufficient to determine the role of this variant in disease. Therefore, it has been classified as a Variant of Uncertain Significance.

NM_001039958.2(MESP2):c.199G>T (p.Ala67Ser)

Gene: MESP2 (mesoderm posterior bHLH transcription factor 2; plus strand). Cytogenetic location: 15q26.1.
Variant type: single nucleotide variant.
Coding change: c.199G>T on transcript NM_001039958.2 (MANE Select); coding-DNA position 199, G replaced by T.
Protein change: p.Ala67Ser; replaces alanine 67 with serine.
Molecular consequence: missense variant.
Genome position (GRCh38, 1-based): chr15:89,776,556, G>T. VCF-style: chr15-89776556-G-T. GRCh37 (hg19) VCF-style: chr15-90319787-G-T.
Other names: short protein forms A67S.
Identifiers: ClinVar variation 1413192 (VCV001413192.8), dbSNP rs1968364328, ClinGen allele CA393769300.